The following is an entry in ClinVar:

NM_001110556.2(FLNA):c.2022+6G>A

Gene: FLNA (filamin A; minus strand). Cytogenetic location: Xq28.
Variant type: single nucleotide variant.
Coding change: c.2022+6G>A on transcript NM_001110556.2 (MANE Select); 6 bases into the intron after coding-DNA position 2022, G replaced by A.
Molecular consequence: intron variant.
Genome position (GRCh38, 1-based): chrX:154,364,520, C>T on the plus strand (G>A on the coding strand, the complement: FLNA is on the minus strand). VCF-style: chrX-154364520-C-T. GRCh37 (hg19) VCF-style: chrX-153592888-C-T.
Other names: c.2022+6G>A (NM_001456.4).
Identifiers: ClinVar variation 2026077 (VCV002026077.5), dbSNP rs2522754442, ClinGen allele CA2580101861.
Genomic context (GRCh38, chrX:154,364,520, plus strand): 5'-CATCCCCACCAGACCCCAAGCAGGAGCAGCAGGGCGAGACTTAGGCCATCACAGCCTGCT[C>T]TTTACCCTGTCTGGGTGGAAGTCCTGGGGCGCGTCACGGATGTCAGCCATGAAGGGGCTG-3'

ClinVar aggregate classification (germline): Uncertain significance. Review status: criteria provided, multiple submitters, no conflicts (2 of 4 stars). 2 submissions from 2 submitters: Uncertain significance (2). Last evaluated 2022-09-13.

Conditions:
Oto-palato-digital syndrome, type II (OPD2). Also called: OPD II SYNDROME; Otopalatodigital Syndrome, Type II; Otopalatodigital Syndrome Type 2 (FLNA-OPD2); FACIOPALATOOSSEOUS SYNDROME. Identifiers: Orphanet 669, Orphanet 90652, MedGen C1844696, MONDO:0010571, OMIM 304120.
Frontometaphyseal dysplasia (FMD1). Identifiers: Orphanet 1826, MedGen C0265293, MONDO:0015942.
Heterotopia, periventricular, X-linked dominant (PVNH1). Also called: PERIVENTRICULAR NODULAR HETEROTOPIA 1; X-linked periventricular heterotopia; PERIVENTRICULAR NODULAR HETEROTOPIA 4; HETEROTOPIA, PERIVENTRICULAR, 1. Identifiers: Orphanet 2149, Orphanet 82004, MedGen C1848213, MONDO:0010233, OMIM 300049.
Melnick-Needles syndrome (MNS). Also called: MELNICK-NEEDLES OSTEODYSPLASTY; OSTEODYSPLASTY OF MELNICK AND NEEDLES; Melnick-Needles Syndrome (FLNA-MNS). Identifiers: Orphanet 2484, MedGen C0025237, MONDO:0010650, OMIM 309350.

Allele frequency attached by ClinVar (database versions not stated): gnomAD exomes below 0.00001.
gnomAD v4.1: 1 of 1,209,330 alleles (0.000083%); highest among the groups gnomAD compares: African/African-American, 0.0017%; no homozygotes.

Submissions (2):

Blueprint Genetics
Classification: Uncertain significance. Last evaluated: 2022-09-13. Review status: criteria provided, single submitter. Criteria: ACMG Guidelines, 2015. Collection method: clinical testing. Allele origin: germline.

Labcorp Genetics (formerly Invitae), Labcorp
Classification: Uncertain significance for Oto-palato-digital syndrome, type II; Heterotopia, periventricular, X-linked dominant; Frontometaphyseal dysplasia; Melnick-Needles syndrome. Last evaluated: 2022-08-22. Review status: criteria provided, single submitter. Criteria: Invitae Variant Classification Sherloc (09022015). Collection method: clinical testing. Allele origin: germline.
Comment: This sequence change falls in intron 13 of the FLNA gene. It does not directly change the encoded amino acid sequence of the FLNA protein. It affects a nucleotide within the consensus splice site. In summary, the available evidence is currently insufficient to determine the role of this variant in disease. Therefore, it has been classified as a Variant of Uncertain Significance. Variants that disrupt the consensus splice site are a relatively common cause of aberrant splicing (PMID: 17576681, 9536098). Algorithms developed to predict the effect of sequence changes on RNA splicing suggest that this variant is not likely to affect RNA splicing. This variant has not been reported in the literature in individuals affected with FLNA-related conditions. This variant is not present in population databases (gnomAD no frequency).

Literature cited by the submitters: PubMed 17576681 (cited by Labcorp Genetics (formerly Invitae), Labcorp); PubMed 9536098 (cited by Labcorp Genetics (formerly Invitae), Labcorp).